The following is an entry in ClinVar:

ClinVar aggregate classification (germline): Conflicting classifications of pathogenicity. Review status: criteria provided, conflicting classifications (1 of 4 stars). 4 submissions from 4 submitters: Uncertain significance (2); Likely benign (1). 1 of the submissions does not count toward it. Last evaluated 2026-07-01.

Conditions:
Glycogen storage disease, type II (IOPD). Also called: CARDIOMEGALIA GLYCOGENICA DIFFUSA; Glycogen storage disease type 2; Acid maltase deficiency disease; Aglucosidase alfa; Deficiency of alpha-glucosidase; Deficiency of lysosomal alpha-glucosidase. Identifiers: Orphanet 365, MedGen C0017921, MONDO:0009290, OMIM 232300.

Allele frequency attached by ClinVar (database versions not stated): gnomAD 0.00001 and 0.00002; TOPMed 0.00002; gnomAD exomes 0.00006.
gnomAD v4.1: 33 of 1,611,938 alleles (0.002%); highest among the groups gnomAD compares: Admixed American, 0.017%; no homozygotes.

Submissions (4):

Genomenon, Inc
Classification: Likely benign for Glycogen storage disease, type II. Last evaluated: 2026-07-01. Review status: criteria provided, single submitter. Criteria: Genomenon Sequence Variant Interpretation Standards - Updated. Collection method: curation. Allele origin: germline. Affected: no.
Comment: GAA p.Arg74His (c.221G>A) is a missense variant that changes the amino acid at codon 74 from Arginine to Histidine. To our knowledge, this variant has not been reported in patients affected with a GAA-related disorder in the published literature. Well-established functional studies show no damaging effect of this variant on protein function, supporting a benign classification (PMID:22644586). It is absent or not present at a significant frequency in gnomAD. In silico models predict that this variant is not damaging. In conclusion, we classify GAA p.Arg74His (c.221G>A) as a likely benign variant.

Revvity Omics, Revvity
Classification: Uncertain significance. Last evaluated: 2024-07-02. Review status: criteria provided, single submitter. Criteria: ACMG Guidelines, 2015. Collection method: clinical testing. Allele origin: germline.

Labcorp Genetics (formerly Invitae), Labcorp
Classification: Uncertain significance for Glycogen storage disease, type II. Last evaluated: 2022-06-01. Review status: criteria provided, single submitter. Criteria: Invitae Variant Classification Sherloc (09022015). Collection method: clinical testing. Allele origin: germline.
Comment: This sequence change replaces arginine, which is basic and polar, with histidine, which is basic and polar, at codon 74 of the GAA protein (p.Arg74His). This variant is present in population databases (rs764797280, gnomAD 0.03%). This missense change has been observed in individual(s) with Pompe disease (PMID: 22644586). ClinVar contains an entry for this variant (Variation ID: 967437). Advanced modeling of protein sequence and biophysical properties (such as structural, functional, and spatial information, amino acid conservation, physicochemical variation, residue mobility, and thermodynamic stability) performed at Invitae indicates that this missense variant is not expected to disrupt GAA protein function. In summary, the available evidence is currently insufficient to determine the role of this variant in disease. Therefore, it has been classified as a Variant of Uncertain Significance.

Natera, Inc.
Classification: Uncertain significance for Glycogen storage disease type II. Last evaluated: 2020-01-21. Review status: no assertion criteria provided. Collection method: clinical testing. Allele origin: germline. Not counted in ClinVar's aggregate classification.

Literature cited by the submitters: PubMed 22644586 (cited by Genomenon, Inc and Labcorp Genetics (formerly Invitae), Labcorp).

NM_000152.5(GAA):c.221G>A (p.Arg74His)

Gene: GAA (alpha glucosidase; plus strand). Cytogenetic location: 17q25.3.
Variant type: single nucleotide variant.
Coding change: c.221G>A on transcript NM_000152.5 (MANE Select); coding-DNA position 221, G replaced by A.
Protein change: p.Arg74His; replaces arginine 74 with histidine.
Molecular consequence: missense variant.
Genome position (GRCh38, 1-based): chr17:80,104,807, G>A. VCF-style: chr17-80104807-G-A. GRCh37 (hg19) VCF-style: chr17-78078606-G-A.
Other names: c.221G>A, p.Arg74His (NM_001079803.3, NM_001079804.3); short protein forms R74H.
Identifiers: ClinVar variation 967437 (VCV000967437.11), dbSNP rs764797280, ClinGen allele CA8814814.